The following is an entry in ClinVar:

ClinVar aggregate classification (germline): Uncertain significance. Review status: criteria provided, multiple submitters, no conflicts (2 of 4 stars). 2 submissions from 2 submitters: Uncertain significance (2). Last evaluated 2024-01-22.

Conditions:
Van Maldergem syndrome 2 (VMLDS2). Identifiers: Orphanet 314679, MedGen C3809875, MONDO:0014242, OMIM 615546.
Hennekam lymphangiectasia-lymphedema syndrome 2 (HKLLS2). Identifiers: Orphanet 2136, MedGen C4014939, MONDO:0014454, OMIM 616006.

Submissions (2):

Fulgent Genetics
Classification: Uncertain significance for Van Maldergem syndrome 2; Hennekam lymphangiectasia-lymphedema syndrome 2. Last evaluated: 2024-01-22. Review status: criteria provided, single submitter. Criteria: ACMG Guidelines, 2015. Collection method: clinical testing. Allele origin: germline.

Labcorp Genetics (formerly Invitae), Labcorp
Classification: Uncertain significance. Last evaluated: 2022-02-10. Review status: criteria provided, single submitter. Criteria: Invitae Variant Classification Sherloc (09022015). Collection method: clinical testing. Allele origin: germline.
Comment: In summary, the available evidence is currently insufficient to determine the role of this variant in disease. Therefore, it has been classified as a Variant of Uncertain Significance. Advanced modeling of protein sequence and biophysical properties (such as structural, functional, and spatial information, amino acid conservation, physicochemical variation, residue mobility, and thermodynamic stability) performed at Invitae indicates that this missense variant is not expected to disrupt FAT4 protein function. This variant has not been reported in the literature in individuals affected with FAT4-related conditions. This variant is not present in population databases (gnomAD no frequency). This sequence change replaces valine, which is neutral and non-polar, with isoleucine, which is neutral and non-polar, at codon 569 of the FAT4 protein (p.Val569Ile).

NM_001291303.3(FAT4):c.1705G>A (p.Val569Ile)

Gene: FAT4 (FAT atypical cadherin 4; plus strand). Cytogenetic location: 4q28.1.
Variant type: single nucleotide variant.
Coding change: c.1705G>A on transcript NM_001291303.3 (MANE Select); coding-DNA position 1705, G replaced by A.
Protein change: p.Val569Ile; replaces valine 569 with isoleucine.
Molecular consequence: missense variant.
Genome position (GRCh38, 1-based): chr4:125,318,116, G>A. VCF-style: chr4-125318116-G-A. GRCh37 (hg19) VCF-style: chr4-126239271-G-A.
Other names: c.1705G>A (NM_024582.5); c.1705G>A, p.Val569Ile (NM_001291285.3, NM_024582.6); short protein forms V569I.
Identifiers: ClinVar variation 1387964 (VCV001387964.9), dbSNP rs1730724185, ClinGen allele CA358118460.